The following is an entry in ClinVar:

ClinVar aggregate classification (germline): Conflicting classifications of pathogenicity. Review status: criteria provided, conflicting classifications (1 of 4 stars). 2 submissions from 2 submitters: Uncertain significance (1); Likely benign (1). Last evaluated 2026-08-14.

Conditions:
Hereditary cancer-predisposing syndrome. Also called: Hereditary Cancer Syndrome; Hereditary neoplastic syndrome; Neoplastic Syndromes, Hereditary; Tumor predisposition. Identifiers: Orphanet 140162, MedGen C0027672, MeSH D009386, MONDO:0015356.

Submissions (2):

Ambry Genetics
Classification: Likely benign for Hereditary cancer-predisposing syndrome. Last evaluated: 2026-08-14. Review status: criteria provided, single submitter. Criteria: Ambry Variant Classification Scheme 2023. Collection method: clinical testing. Allele origin: germline.

Color Diagnostics, LLC DBA Color Health
Classification: Uncertain significance for Hereditary cancer-predisposing syndrome. Last evaluated: 2024-03-06. Review status: criteria provided, single submitter. Criteria: ACMG Guidelines, 2015. Collection method: clinical testing. Allele origin: germline.
Comment: This missense variant replaces leucine with isoleucine at codon 383 of the BRIP1 protein. Computational prediction suggests that this variant may not impact protein structure and function (internally defined REVEL score threshold <= 0.5, PMID: 27666373). To our knowledge, functional studies have not been reported for this variant. This variant has not been reported in individuals affected with hereditary cancer in the literature. This variant has not been identified in the general population by the Genome Aggregation Database (gnomAD). The available evidence is insufficient to determine the role of this variant in disease conclusively. Therefore, this variant is classified as a Variant of Uncertain Significance.

NM_032043.3(BRIP1):c.1147T>A (p.Leu383Ile)

Gene: BRIP1 (BRCA1 interacting DNA helicase 1; minus strand). Cytogenetic location: 17q23.2.
Variant type: single nucleotide variant.
Coding change: c.1147T>A on transcript NM_032043.3 (MANE Select); coding-DNA position 1147, T replaced by A.
Protein change: p.Leu383Ile; replaces leucine 383 with isoleucine.
Molecular consequence: missense variant.
Genome position (GRCh38, 1-based): chr17:61,799,293, A>T on the plus strand (T>A on the coding strand, the complement: BRIP1 is on the minus strand). VCF-style: chr17-61799293-A-T. GRCh37 (hg19) VCF-style: chr17-59876654-A-T.
Other names: short protein forms L383I.
Identifiers: ClinVar variation 2775000 (VCV002775000.3), dbSNP rs1603342360, ClinGen allele CA400483821.